The following is an entry in ClinVar:

NM_033310.3(KCNK4):c.415G>A (p.Gly139Arg)

Genes: KCNK4 (potassium two pore domain channel subfamily K member 4; plus strand), KCNK4-CATSPERZ (KCNK4-CATSPERZ readthrough (NMD candidate); plus strand). Cytogenetic location: 11q13.1.
Variant type: single nucleotide variant.
Coding change: c.415G>A on transcript NM_033310.3 (MANE Select); coding-DNA position 415, G replaced by A.
Protein change: p.Gly139Arg; replaces glycine 139 with arginine.
Molecular consequence: missense variant. On other transcripts: non-coding transcript variant (3).
Genome position (GRCh38, 1-based): chr11:64,297,220, G>A. VCF-style: chr11-64297220-G-A. GRCh37 (hg19) VCF-style: chr11-64064692-G-A.
Other names: c.415G>A, p.Gly139Arg (NM_001317090.2); c.415G>A (NM_033310.2); short protein forms G139R.
Identifiers: ClinVar variation 1495562 (VCV001495562.10), dbSNP rs2135231835, ClinGen allele CA381164596.

ClinVar aggregate classification (germline): Conflicting classifications of pathogenicity. Review status: criteria provided, conflicting classifications (1 of 4 stars). 4 submissions from 4 submitters: Pathogenic (2); Uncertain significance (2). Last evaluated 2026-01-12.

Submissions (4):

Labcorp Genetics (formerly Invitae), Labcorp
Classification: Pathogenic. Last evaluated: 2026-01-12. Review status: criteria provided, single submitter. Criteria: Invitae Variant Classification Sherloc (09022015). Collection method: clinical testing. Allele origin: germline.
Comment: This sequence change replaces glycine, which is neutral and non-polar, with arginine, which is basic and polar, at codon 139 of the KCNK4 protein (p.Gly139Arg). This variant is not present in population databases (gnomAD no frequency). This missense change has been observed in individual(s) with clinical features of KCNK4-related conditions (PMID: 39146707; internal data). In at least one individual the variant was observed to be de novo. ClinVar contains an entry for this variant (Variation ID: 1495562). An algorithm developed to predict the effect of missense changes on protein structure and function (PolyPhen-2) suggests that this variant is likely to be disruptive. For these reasons, this variant has been classified as Pathogenic.

GeneDx
Classification: Pathogenic. Last evaluated: 2025-04-25. Review status: criteria provided, single submitter. Criteria: GeneDx Variant Classification Process June 2021. Collection method: clinical testing. Allele origin: germline. Affected: yes.
Comment: In silico analysis supports that this missense variant has a deleterious effect on protein structure/function; Not observed at significant frequency in large population cohorts (gnomAD); This variant is associated with the following publications: (PMID: 39146707, 40230348)

Blueprint Genetics
Classification: Uncertain significance. Last evaluated: 2024-01-04. Review status: criteria provided, single submitter. Criteria: ACMG Guidelines, 2015. Collection method: clinical testing. Allele origin: germline.

Ambry Genetics
Classification: Uncertain significance. Last evaluated: 2023-07-31. Review status: criteria provided, single submitter. Criteria: Ambry Variant Classification Scheme 2023. Collection method: clinical testing. Allele origin: germline.

Literature cited by the submitters: PubMed 39146707 (cited by Labcorp Genetics (formerly Invitae), Labcorp).